The following is an entry in ClinVar:

ClinVar aggregate classification (germline): Benign (1 of 4 stars; one submission).

Allele frequency attached by ClinVar (database versions not stated): gnomAD exomes 0.05037; 1000 Genomes Project 0.05990; 1000 Genomes Project 30x 0.06043; TOPMed 0.06352; gnomAD 0.06498 and 0.06701.
gnomAD v4.1: 69,215 of 1,330,686 alleles (5.2%); highest among the groups gnomAD compares: Admixed American, 10%; 2,201 homozygotes.

Submission:

GeneDx
Classification: Benign. Last evaluated: 2018-06-19. Review status: criteria provided, single submitter. Criteria: GeneDx Variant Classification (06012015). Collection method: clinical testing. Allele origin: germline. Affected: yes.
Comment: This variant is considered likely benign or benign based on one or more of the following criteria: it is a conservative change, it occurs at a poorly conserved position in the protein, it is predicted to be benign by multiple in silico algorithms, and/or has population frequency not consistent with disease.

NM_006129.5(BMP1):c.2576-151G>A

Gene: BMP1 (bone morphogenetic protein 1; plus strand). Cytogenetic location: 8p21.3.
Variant type: single nucleotide variant.
Coding change: c.2576-151G>A on transcript NM_006129.5 (MANE Select); 151 bases into the intron before coding-DNA position 2576, G replaced by A.
Molecular consequence: intron variant.
Genome position (GRCh38, 1-based): chr8:22,209,294, G>A. VCF-style: chr8-22209294-G-A. GRCh37 (hg19) VCF-style: chr8-22066807-G-A.
Identifiers: ClinVar variation 680907 (VCV000680907.1), dbSNP rs59066180, ClinGen allele CA173474893.